The following is an entry in ClinVar:

ClinVar aggregate classification (germline): Likely benign (1 of 4 stars; one submission).

Allele frequency attached by ClinVar (database versions not stated): gnomAD exomes below 0.00001.

Submission:

GeneDx
Classification: Likely benign. Last evaluated: 2013-09-24. Review status: criteria provided, single submitter. Criteria: GeneDx Variant Classification (06012015). Collection method: clinical testing. Allele origin: germline. Affected: yes.
Comment: This variant is considered likely benign or benign based on one or more of the following criteria: it is a conservative change, it occurs at a poorly conserved position in the protein, it is predicted to be benign by multiple in silico algorithms, and/or has population frequency not consistent with disease.

NM_000702.4(ATP1A2):c.1462-5T>A

Gene: ATP1A2 (ATPase Na+/K+ transporting subunit alpha 2; plus strand). Cytogenetic location: 1q23.2.
Variant type: single nucleotide variant.
Coding change: c.1462-5T>A on transcript NM_000702.4 (MANE Select); 5 bases into the intron before coding-DNA position 1462, T replaced by A.
Molecular consequence: intron variant.
Genome position (GRCh38, 1-based): chr1:160,130,097, T>A. VCF-style: chr1-160130097-T-A. GRCh37 (hg19) VCF-style: chr1-160099887-T-A.
Identifiers: ClinVar variation 204872 (VCV000204872.1), dbSNP rs796052272, ClinGen allele CA313249.